The following is an entry in ClinVar:

NM_198129.4(LAMA3):c.5621T>C (p.Leu1874Ser)

Gene: LAMA3 (laminin subunit alpha 3; plus strand). Cytogenetic location: 18q11.2.
Variant type: single nucleotide variant.
Coding change: c.5621T>C on transcript NM_198129.4 (MANE Select); coding-DNA position 5621, T replaced by C.
Protein change: p.Leu1874Ser; replaces leucine 1874 with serine.
Molecular consequence: missense variant.
Genome position (GRCh38, 1-based): chr18:23,898,745, T>C. VCF-style: chr18-23898745-T-C. GRCh37 (hg19) VCF-style: chr18-21478709-T-C.
Other names: c.794T>C, p.Leu265Ser (NM_000227.6, NM_001127718.4); c.5621T>C, p.Leu1874Ser (NM_001127717.4); short protein forms L1874S, L265S.
Identifiers: ClinVar variation 326303 (VCV000326303.10), dbSNP rs139348197, ClinGen allele CA8916130.
Genomic context (GRCh38, chr18:23,898,745, plus strand): 5'-TAGGACTTAGTCTTTATACTGTAAAGTGACATTCATTTGTGTTTTGTTTCCAGAATCAGT[T>C]GCTCAACTACCGTTCTGCCATTTCAAATCATGGATCAAAAATAGAAGGCCTGGAAAGAGA-3'
Protein context (NP_937762.2, residues 1864-1884): ETQAKDLRNQ[Leu1874Ser]LNYRSAISNH

ClinVar aggregate classification (germline): Conflicting classifications of pathogenicity. Review status: criteria provided, conflicting classifications (1 of 4 stars). 4 submissions from 3 submitters: Uncertain significance (3); Likely benign (1). Last evaluated 2025-12-13.

Conditions:
Laryngo-onycho-cutaneous syndrome (JEB2C). Also called: LOGIC SYNDROME; EPIDERMOLYSIS BULLOSA, JUNCTIONAL 2C, LARYNGOONYCHOCUTANEOUS; SHABBIR SYNDROME. Identifiers: Orphanet 2407, MedGen C1328355, MONDO:0009513, OMIM 245660.
Junctional epidermolysis bullosa gravis of Herlitz. Also called: EPIDERMOLYSIS BULLOSA JUNCTIONALIS, HERLITZ TYPE; EPIDERMOLYSIS BULLOSA, JUNCTIONAL, HERLITZ-PEARSON TYPE; JEB-HERLITZ TYPE; Epidermolysis Bullosa Letalis; Herlitz-type junctional epidermolysis bullosa; EPIDERMOLYSIS BULLOSA, JUNCTIONAL 1B, SEVERE. Identifiers: Orphanet 79404, MedGen C0079683, MONDO:0009182, OMIM 226700.

Allele frequency attached by ClinVar (database versions not stated): ESP Exome Variant Server 0.00008; TOPMed 0.00014; gnomAD exomes 0.00019 and 0.00025; ExAC 0.00026; gnomAD 0.00034 and 0.00036.
gnomAD v4.1: 325 of 1,578,104 alleles (0.021%); highest among the groups gnomAD compares: Non-Finnish European, 0.026%; 1 homozygote.

Submissions (4):

Labcorp Genetics (formerly Invitae), Labcorp
Classification: Likely benign. Last evaluated: 2025-12-13. Review status: criteria provided, single submitter. Criteria: Invitae Variant Classification Sherloc (09022015). Collection method: clinical testing. Allele origin: germline.

Illumina Laboratory Services, Illumina
Classification: Uncertain significance for Laryngo-onycho-cutaneous syndrome. Last evaluated: 2018-01-12. Review status: criteria provided, single submitter. Criteria: ICSL Variant Classification Criteria 13 December 2019. Collection method: clinical testing. Allele origin: germline.

Illumina Laboratory Services, Illumina
Classification: Uncertain significance for Junctional epidermolysis bullosa gravis of Herlitz. Last evaluated: 2018-01-12. Review status: criteria provided, single submitter. Criteria: ICSL Variant Classification Criteria 13 December 2019. Collection method: clinical testing. Allele origin: germline.

GeneDx
Classification: Uncertain significance. Last evaluated: 2017-01-23. Review status: criteria provided, single submitter. Criteria: GeneDx Variant Classification (06012015). Collection method: clinical testing. Allele origin: germline. Affected: yes.
Comment: The L1874S variant in the LAMA3 gene has not been reported previously as a pathogenic variant, nor as a benign variant, to our knowledge. The L1874S variant was not observed at any significant frequency in approximately 6500 individuals of European and African American ancestry in the NHLBI Exome Sequencing Project, indicating it is not a common benign variant in these populations. The L1874S variant is a non-conservative amino acid substitution, which is likely to impact secondary protein structure as these residues differ in polarity, charge, size and/or other properties. This substitution occurs at a position that is conserved across species. In silico analysis predicts this variant is probably damaging to the protein structure/function. We interpret L1874S as a variant of uncertain significance.